The following is an entry in ClinVar:

ClinVar aggregate classification (germline): Uncertain significance (1 of 4 stars; one submission).

Conditions:
Isovaleryl-CoA dehydrogenase deficiency (IVA). Also called: ISOVALERIC ACID CoA DEHYDROGENASE DEFICIENCY; Isovaleric acidemia; IVD DEFICIENCY; Classic Isovaleric Acidemia. Identifiers: Orphanet 33, MedGen C0268575, MONDO:0009475, OMIM 243500.

gnomAD v4.1: 6 of 1,239,720 alleles (0.00048%); highest among the groups gnomAD compares: Non-Finnish European, 0.00063%; no homozygotes.

Submission:

Dasa
Classification: Uncertain significance for isovaleric acidemia. Last evaluated: 2025-12-23. Review status: criteria provided, single submitter. Criteria: DASA Assertion Criteria. Collection method: clinical testing. Allele origin: germline.
Comment: NM_001354598.3(IVD):c.1261C>T (p.Arg421*) is a nonsense variant in IVD predicted to introduce a premature termination codon. This variant is rare in population databases. The currently available literature and clinical evidence are not sufficient to establish a definitive association between this variant and the reported condition. Therefore, this variant is classified as a variant of uncertain significance.

NM_001354598.3(IVD):c.1261C>T (p.Arg421Ter)

Gene: IVD (isovaleryl-CoA dehydrogenase; plus strand). Cytogenetic location: 15q15.1.
Variant type: single nucleotide variant.
Coding change: c.1261C>T on transcript NM_001354598.3; coding-DNA position 1261, C replaced by T.
Protein change: p.Arg421Ter; replaces arginine 421 with a stop codon.
Molecular consequence: nonsense. On other transcripts: synonymous variant (1), non-coding transcript variant (1).
Genome position (GRCh38, 1-based): chr15:40,435,457, C>T. VCF-style: chr15-40435457-C-T. GRCh37 (hg19) VCF-style: chr15-40727656-C-T.
Other names: c.1348C>T, p.Arg450Ter (NM_001354600.3); c.1179C>T, p.Gly393= (NM_001354601.3); short protein forms R421*, R450*.
Identifiers: ClinVar variation 4883053 (VCV004883053.2).